The following is an entry in ClinVar:

ClinVar aggregate classification (germline): Conflicting classifications of pathogenicity. Review status: criteria provided, conflicting classifications (1 of 4 stars). 2 submissions from 2 submitters: Likely pathogenic (1); Uncertain significance (1). Last evaluated 2021-06-24.

Conditions:
Hypertrophic cardiomyopathy. Also called: HYPERTROPHIC MYOCARDIOPATHY. Identifiers: Orphanet 217569, MedGen C0007194, MeSH D002312, MONDO:0005045, HP:0001639.
Cardiovascular phenotype. Identifiers: MedGen CN230736.

Submissions (2):

Labcorp Genetics (formerly Invitae), Labcorp
Classification: Uncertain significance for Hypertrophic cardiomyopathy. Last evaluated: 2021-06-24. Review status: criteria provided, single submitter. Criteria: Invitae Variant Classification Sherloc (09022015). Collection method: clinical testing. Allele origin: germline.
Comment: This sequence change replaces glutamine with proline at codon 998 of the MYBPC3 protein (p.Gln998Pro). The glutamine residue is highly conserved and there is a moderate physicochemical difference between glutamine and proline. This variant is not present in population databases (ExAC no frequency). This variant has been observed in individual(s) with clinical features of hypertrophic cardiomyopathy (Invitae). Algorithms developed to predict the effect of missense changes on protein structure and function (SIFT, PolyPhen-2, Align-GVGD) all suggest that this variant is likely to be disruptive, but these predictions have not been confirmed by published functional studies and their clinical significance is uncertain. Algorithms developed to predict the effect of sequence changes on RNA splicing suggest that this variant may disrupt the consensus splice site, but this prediction has not been confirmed by published transcriptional studies. In summary, the available evidence is currently insufficient to determine the role of this variant in disease. Therefore, it has been classified as a Variant of Uncertain Significance.

Molecular Diagnostic Laboratory for Inherited Cardiovascular Disease, Montreal Heart Institute
Classification: Likely pathogenic for Cardiovascular phenotype. Last evaluated: 2021-04-30. Review status: criteria provided, single submitter. Criteria: ACMG Guidelines, 2015. Collection method: clinical testing. Allele origin: germline. Affected: yes.

NM_000256.3(MYBPC3):c.2993A>C (p.Gln998Pro)

Gene: MYBPC3 (myosin binding protein C3; minus strand). Cytogenetic location: 11p11.2.
Variant type: single nucleotide variant.
Coding change: c.2993A>C on transcript NM_000256.3 (MANE Select); coding-DNA position 2993, A replaced by C.
Protein change: p.Gln998Pro; replaces glutamine 998 with proline.
Molecular consequence: missense variant.
Genome position (GRCh38, 1-based): chr11:47,333,923, T>G on the plus strand (A>C on the coding strand, the complement: MYBPC3 is on the minus strand). VCF-style: chr11-47333923-T-G. GRCh37 (hg19) VCF-style: chr11-47355474-T-G.
Other names: short protein forms Q998P.
Identifiers: ClinVar variation 1449122 (VCV001449122.9), dbSNP rs727503177, ClinGen allele CA380315753.